The following is an entry in ClinVar:

ClinVar aggregate classification (germline): Uncertain significance (1 of 4 stars; one submission).

Allele frequency attached by ClinVar (database versions not stated): ExAC 0.00001; gnomAD 0.00001; TOPMed 0.00001; ESP Exome Variant Server 0.00008.
gnomAD v4.1: 3 of 1,610,338 alleles (0.00019%); highest among the groups gnomAD compares: Non-Finnish European, 0.00025%; no homozygotes.

Submission:

Labcorp Genetics (formerly Invitae), Labcorp
Classification: Uncertain significance. Last evaluated: 2022-01-11. Review status: criteria provided, single submitter. Criteria: Invitae Variant Classification Sherloc (09022015). Collection method: clinical testing. Allele origin: germline.
Comment: This variant has not been reported in the literature in individuals affected with SI-related conditions. In summary, the available evidence is currently insufficient to determine the role of this variant in disease. Therefore, it has been classified as a Variant of Uncertain Significance. Advanced modeling of protein sequence and biophysical properties (such as structural, functional, and spatial information, amino acid conservation, physicochemical variation, residue mobility, and thermodynamic stability) performed at Invitae indicates that this missense variant is not expected to disrupt SI protein function. This variant is present in population databases (rs372177010, gnomAD 0.002%). This sequence change replaces proline, which is neutral and non-polar, with threonine, which is neutral and polar, at codon 1620 of the SI protein (p.Pro1620Thr).

NM_001041.4(SI):c.4858C>A (p.Pro1620Thr)

Gene: SI (sucrase-isomaltase; minus strand). Cytogenetic location: 3q26.1.
Variant type: single nucleotide variant.
Coding change: c.4858C>A on transcript NM_001041.4 (MANE Select); coding-DNA position 4858, C replaced by A.
Protein change: p.Pro1620Thr; replaces proline 1620 with threonine.
Molecular consequence: missense variant.
Genome position (GRCh38, 1-based): chr3:164,992,381, G>T on the plus strand (C>A on the coding strand, the complement: SI is on the minus strand). VCF-style: chr3-164992381-G-T. GRCh37 (hg19) VCF-style: chr3-164710169-G-T.
Other names: short protein forms P1620T.
Identifiers: ClinVar variation 1919727 (VCV001919727.5), dbSNP rs372177010, ClinGen allele CA2689760.
Genomic context (GRCh38, chr3:164,992,381, plus strand): 5'-GTACTGGGGTAACCATAAATGCTGGACCCCATAAGAACTGCTTGAATATATCCCAGGTTG[G>T]TTTTTCATCAAAGAACCTCGACAAAATTATCACAAATAATTAAATTAAAACAAATAACTT-3'
Protein context (NP_001032.2, residues 1610-1630): PLLHEFFDEK[Pro1620Thr]TWDIFKQFLW